The following is an entry in ClinVar:

NM_014249.4(NR2E3):c.424C>T (p.Arg142Trp)

Gene: NR2E3 (nuclear receptor subfamily 2 group E member 3; plus strand). Cytogenetic location: 15q23.
Variant type: single nucleotide variant.
Coding change: c.424C>T on transcript NM_014249.4 (MANE Select); coding-DNA position 424, C replaced by T.
Protein change: p.Arg142Trp; replaces arginine 142 with tryptophan.
Molecular consequence: missense variant.
Genome position (GRCh38, 1-based): chr15:71,812,029, C>T. VCF-style: chr15-71812029-C-T. GRCh37 (hg19) VCF-style: chr15-72104369-C-T.
Other names: c.424C>T, p.Arg142Trp (NM_016346.4); c.424C>T (NM_014249.3); short protein forms R142W.
Identifiers: ClinVar variation 1424587 (VCV001424587.7), dbSNP rs756501491, ClinGen allele CA7640309.

ClinVar aggregate classification (germline): Uncertain significance. Review status: criteria provided, multiple submitters, no conflicts (2 of 4 stars). 3 submissions from 3 submitters: Uncertain significance (3). Last evaluated 2025-08-23.

Conditions:
NR2E3-related disorder. Also called: NR2E3-related disorders; NR2E3-related condition. Identifiers: MedGen CN239387.

Allele frequency attached by ClinVar (database versions not stated): TOPMed below 0.00001; gnomAD 0.00001; gnomAD exomes 0.00001 and 0.00003; ExAC 0.00005.

Submissions (3):

Labcorp Genetics (formerly Invitae), Labcorp
Classification: Uncertain significance. Last evaluated: 2025-08-23. Review status: criteria provided, single submitter. Criteria: Invitae Variant Classification Sherloc (09022015). Collection method: clinical testing. Allele origin: germline.
Comment: This sequence change replaces arginine, which is basic and polar, with tryptophan, which is neutral and slightly polar, at codon 142 of the NR2E3 protein (p.Arg142Trp). The frequency data for this variant in the population databases is considered unreliable, as metrics indicate poor data quality at this position in the gnomAD database. This missense change has been observed in individual(s) with autosomal dominant retinitis pigmentosa (PMID: 24618324). ClinVar contains an entry for this variant (Variation ID: 1424587). Invitae Evidence Modeling of protein sequence and biophysical properties (such as structural, functional, and spatial information, amino acid conservation, physicochemical variation, residue mobility, and thermodynamic stability) indicates that this missense variant is not expected to disrupt NR2E3 protein function with a negative predictive value of 80%. In summary, the available evidence is currently insufficient to determine the role of this variant in disease. Therefore, it has been classified as a Variant of Uncertain Significance.

PreventionGenetics, part of Exact Sciences
Classification: Uncertain significance for NR2E3-related condition. Last evaluated: 2025-01-29. Review status: criteria provided, single submitter. Criteria: ACMG Guidelines, 2015. Collection method: clinical testing. Allele origin: germline.
Comment: The NR2E3 c.424C>T variant is predicted to result in the amino acid substitution p.Arg142Trp. This variant has been reported in an individual with retinitis pigmentosa (Jinda et al. 2014. PubMed ID: 24618324). However, this variant is reported in 0.017% of alleles in individuals of South Asian descent in gnomAD. At this time, the clinical significance of this variant is uncertain due to the absence of conclusive functional and genetic evidence.

Blueprint Genetics
Classification: Uncertain significance. Last evaluated: 2019-09-03. Review status: criteria provided, single submitter. Criteria: ACMG Guidelines, 2015. Collection method: clinical testing. Allele origin: germline.

Literature cited by the submitters: PubMed 24618324 (cited by Labcorp Genetics (formerly Invitae), Labcorp).